The following is an entry in ClinVar:

NM_001621.5(AHR):c.2335C>A (p.Gln779Lys)

Gene: AHR (aryl hydrocarbon receptor; plus strand). Cytogenetic location: 7p21.1.
Variant type: single nucleotide variant.
Coding change: c.2335C>A on transcript NM_001621.5 (MANE Select); coding-DNA position 2335, C replaced by A.
Protein change: p.Gln779Lys; replaces glutamine 779 with lysine.
Molecular consequence: missense variant.
Genome position (GRCh38, 1-based): chr7:17,340,160, C>A. VCF-style: chr7-17340160-C-A. GRCh37 (hg19) VCF-style: chr7-17379784-C-A.
Other names: short protein forms Q779K.
Identifiers: ClinVar variation 1043049 (VCV001043049.6), dbSNP rs542270486, ClinGen allele CA4172271.
Genomic context (GRCh38, chr7:17,340,160, plus strand): 5'-ATAACTCCTCAGACATGTTATGCTGGGGCCGTGTCGATGTATCAGTGCCAGCCAGAACCT[C>A]AGCACACCCACGTGGGTCAGATGCAGTACAATCCAGTACTGCCAGGCCAACAGGCATTTT-3'
Protein context (NP_001612.1, residues 769-789): VSMYQCQPEP[Gln779Lys]HTHVGQMQYN

ClinVar aggregate classification (germline): Uncertain significance (1 of 4 stars; one submission).

Allele frequency attached by ClinVar (database versions not stated): gnomAD 0.00001 and 0.00002; gnomAD exomes 0.00002 and 0.00015; TOPMed 0.00003; ExAC 0.00012; 1000 Genomes Project 30x 0.00016; 1000 Genomes Project 0.00020.
gnomAD v4.1: 32 of 1,614,220 alleles (0.002%); highest among the groups gnomAD compares: East Asian, 0.067%; no homozygotes.

Submission:

Labcorp Genetics (formerly Invitae), Labcorp
Classification: Uncertain significance. Last evaluated: 2022-02-23. Review status: criteria provided, single submitter. Criteria: Invitae Variant Classification Sherloc (09022015). Collection method: clinical testing. Allele origin: germline.
Comment: This sequence change replaces glutamine, which is neutral and polar, with lysine, which is basic and polar, at codon 779 of the AHR protein (p.Gln779Lys). This variant is present in population databases (rs542270486, gnomAD 0.2%). This variant has not been reported in the literature in individuals affected with AHR-related conditions. ClinVar contains an entry for this variant (Variation ID: 1043049). Algorithms developed to predict the effect of missense changes on protein structure and function (SIFT, PolyPhen-2, Align-GVGD) all suggest that this variant is likely to be tolerated. In summary, the available evidence is currently insufficient to determine the role of this variant in disease. Therefore, it has been classified as a Variant of Uncertain Significance.